The following is an entry in ClinVar:

ClinVar aggregate classification (germline): Likely pathogenic. Review status: criteria provided, multiple submitters, no conflicts (2 of 4 stars). 2 submissions from 2 submitters: Likely pathogenic (2). Last evaluated 2024-02-23.

Conditions:
Salla disease (SD). Also called: Sialuria, Finnish type; N-acetylneuraminic acid (NANA) storage disease (NSD); Infantile sialic acid storage disorder (ISSD); Less Severe FSASD (Salla Disease). Identifiers: Orphanet 309334, Orphanet 834, MedGen C1096903, MONDO:0011449, OMIM 604369.

Allele frequency attached by ClinVar (database versions not stated): TOPMed below 0.00001; ExAC 0.00001.
gnomAD v4.1: 5 of 1,613,992 alleles (0.00031%); highest among the groups gnomAD compares: Admixed American, 0.0017%; no homozygotes.

Submissions (2):

Baylor Genetics
Classification: Likely pathogenic for Salla disease. Last evaluated: 2024-02-23. Review status: criteria provided, single submitter. Criteria: ACMG Guidelines, 2015. Collection method: clinical testing. Allele origin: unknown.

Labcorp Genetics (formerly Invitae), Labcorp
Classification: Likely pathogenic for Salla disease. Last evaluated: 2023-12-21. Review status: criteria provided, single submitter. Criteria: Invitae Variant Classification Sherloc (09022015). Collection method: clinical testing. Allele origin: germline.
Comment: This sequence change replaces arginine, which is basic and polar, with cysteine, which is neutral and slightly polar, at codon 57 of the SLC17A5 protein (p.Arg57Cys). This variant is present in population databases (rs754150739, gnomAD 0.0009%). This missense change has been observed in individual(s) with clinical features of sialic acid storage disorder (PMID: 15805149). In at least one individual the data is consistent with being in trans (on the opposite chromosome) from a pathogenic variant. ClinVar contains an entry for this variant (Variation ID: 1487434). Advanced modeling of protein sequence and biophysical properties (such as structural, functional, and spatial information, amino acid conservation, physicochemical variation, residue mobility, and thermodynamic stability) performed at Invitae indicates that this missense variant is expected to disrupt SLC17A5 protein function with a positive predictive value of 80%. Experimental studies have shown that this missense change affects SLC17A5 function (PMID: 18399798). In summary, the currently available evidence indicates that the variant is pathogenic, but additional data are needed to prove that conclusively. Therefore, this variant has been classified as Likely Pathogenic.

Literature cited by the submitters: PubMed 15805149 (cited by Labcorp Genetics (formerly Invitae), Labcorp); PubMed 18399798 (cited by Labcorp Genetics (formerly Invitae), Labcorp).

NM_012434.5(SLC17A5):c.169C>T (p.Arg57Cys)

Gene: SLC17A5 (solute carrier family 17 member 5; minus strand). Cytogenetic location: 6q13.
Variant type: single nucleotide variant.
Coding change: c.169C>T on transcript NM_012434.5 (MANE Select); coding-DNA position 169, C replaced by T.
Protein change: p.Arg57Cys; replaces arginine 57 with cysteine.
Molecular consequence: missense variant. On other transcripts: intron variant (2).
Genome position (GRCh38, 1-based): chr6:73,644,529, G>A on the plus strand (C>T on the coding strand, the complement: SLC17A5 is on the minus strand). VCF-style: chr6-73644529-G-A. GRCh37 (hg19) VCF-style: chr6-74354252-G-A.
Other names: c.169C>T, p.Arg57Cys (NM_001382632.1, NM_001382633.1, NM_001382634.1 and 2 more transcripts); c.61-2605C>T (NM_001382636.1, NM_001382629.1); c.190C>T, p.Arg64Cys (NM_001382631.1); short protein forms R57C, R64C.
Identifiers: ClinVar variation 1487434 (VCV001487434.7), dbSNP rs754150739, ClinGen allele CA3890595.